The following is an entry in ClinVar:

NM_006096.4(NDRG1):c.*2C>T

Gene: NDRG1 (N-myc downstream regulated 1; minus strand). Cytogenetic location: 8q24.22.
Variant type: single nucleotide variant.
Coding change: c.*2C>T on transcript NM_006096.4 (MANE Select); 2 bases downstream of the stop codon, C replaced by T.
Molecular consequence: 3 prime UTR variant.
Genome position (GRCh38, 1-based): chr8:133,238,876, G>A on the plus strand (C>T on the coding strand, the complement: NDRG1 is on the minus strand). VCF-style: chr8-133238876-G-A. GRCh37 (hg19) VCF-style: chr8-134251119-G-A.
Other names: c.*2C>T (NM_001135242.2, NM_001258432.2, NM_001258433.2 and 4 more transcripts).
Identifiers: ClinVar variation 389857 (VCV000389857.7), dbSNP rs200367524, ClinGen allele CA4886399.

ClinVar aggregate classification (germline): Conflicting classifications of pathogenicity. Review status: criteria provided, conflicting classifications (1 of 4 stars). 4 submissions from 4 submitters: Uncertain significance (1); Likely benign (3). Last evaluated 2025-05-28.

Conditions:
NDRG1-related disorder. Also called: NDRG1-related condition.
Charcot-Marie-Tooth disease type 4D. Also called: CHARCOT-MARIE-TOOTH DISEASE, DEMYELINATING, AUTOSOMAL RECESSIVE, TYPE 4D; NEUROPATHY, HEREDITARY MOTOR AND SENSORY, LOM TYPE; Charcot-Marie-Tooth Neuropathy Type 4D; CHARCOT-MARIE-TOOTH DISEASE, DEMYELINATING, TYPE 4D. Identifiers: Orphanet 99950, MedGen C1832334, MONDO:0011085, OMIM 601455.

Allele frequency attached by ClinVar (database versions not stated): gnomAD 0.00013; ESP Exome Variant Server 0.00016; gnomAD exomes 0.00017; TOPMed 0.00018; 1000 Genomes Project 30x 0.00031; ExAC 0.00033; 1000 Genomes Project 0.00040.
gnomAD v4.1: 245 of 1,551,806 alleles (0.016%); highest among the groups gnomAD compares: East Asian, 0.4%; 1 homozygote.

Submissions (4):

PreventionGenetics, part of Exact Sciences
Classification: Likely benign for NDRG1-related condition. Last evaluated: 2025-05-28. Review status: criteria provided, single submitter. Criteria: ACMG Guidelines, 2015. Collection method: clinical testing. Allele origin: germline.
Comment: This variant is classified as likely benign based on ACMG/AMP sequence variant interpretation guidelines (Richards et al. 2015 PMID: 25741868, with internal and published modifications).

Blueprint Genetics
Classification: Likely benign. Last evaluated: 2024-06-20. Review status: criteria provided, single submitter. Criteria: ACMG Guidelines, 2015. Collection method: clinical testing. Allele origin: germline.

Illumina Laboratory Services, Illumina
Classification: Uncertain significance for Charcot-Marie-Tooth disease type 4D. Last evaluated: 2018-01-12. Review status: criteria provided, single submitter. Criteria: ICSL Variant Classification Criteria 13 December 2019. Collection method: clinical testing. Allele origin: germline.

GeneDx
Classification: Likely benign. Last evaluated: 2016-10-06. Review status: criteria provided, single submitter. Criteria: GeneDx Variant Classification (06012015). Collection method: clinical testing. Allele origin: germline. Affected: yes.
Comment: This variant is considered likely benign or benign based on one or more of the following criteria: it is a conservative change, it occurs at a poorly conserved position in the protein, it is predicted to be benign by multiple in silico algorithms, and/or has population frequency not consistent with disease.